The following is an entry in ClinVar:

ClinVar aggregate classification (germline): Conflicting classifications of pathogenicity. Review status: criteria provided, conflicting classifications (1 of 4 stars). 14 submissions from 14 submitters: Uncertain significance (5); Likely benign (8). 1 of the submissions does not count toward it. Last evaluated 2026-02-25.

Conditions:
BARD1-related cancer predisposition. Identifiers: MedGen CN377756, MONDO:0700267.
BARD1-related disorder. Also called: BARD1-related condition.
Hereditary cancer. Identifiers: MedGen C1333600.
Hereditary cancer-predisposing syndrome. Also called: Neoplastic Syndromes, Hereditary; Tumor predisposition; Hereditary neoplastic syndrome; Hereditary Cancer Syndrome. Identifiers: Orphanet 140162, MedGen C0027672, MeSH D009386, MONDO:0015356.
Hereditary breast ovarian cancer syndrome. Also called: Hereditary breast and/or ovarian cancer syndrome; Hereditary breast and ovarian cancer syndrome; Hereditary breast and ovarian cancer; Hereditary breast and ovarian cancer syndrome (HBOC); Breast and ovarian cancer; BRCA1- and BRCA2-Associated Hereditary Breast and Ovarian Cancer. Identifiers: Orphanet 145, MedGen C0677776, MeSH D061325, MONDO:0003582. Disease mechanism: loss of function.
Familial cancer of breast. Also called: Hereditary breast cancer; BREAST CANCER, FAMILIAL; hereditary breast carcinoma. Identifiers: Orphanet 227535, MedGen C0346153, MONDO:0016419, OMIM 114480. Disease mechanism: loss of function.

Allele frequency attached by ClinVar (database versions not stated): gnomAD exomes 0.00002 and 0.00004; ExAC 0.00004; ESP Exome Variant Server 0.00015; TOPMed 0.00017; gnomAD 0.00019 and 0.00021.
gnomAD v4.1: 54 of 1,611,222 alleles (0.0034%); highest among the groups gnomAD compares: African/African-American, 0.07%; no homozygotes.

Submissions (14):

PreventionGenetics, part of Exact Sciences
Classification: Likely benign for BARD1-related condition. Last evaluated: 2026-02-25. Review status: criteria provided, single submitter. Criteria: ACMG Guidelines, 2015. Collection method: clinical testing. Allele origin: germline.
Comment: This variant is classified as likely benign based on ACMG/AMP sequence variant interpretation guidelines (Richards et al. 2015 PMID: 25741868, with internal and published modifications).

Labcorp Genetics (formerly Invitae), Labcorp
Classification: Uncertain significance for Familial cancer of breast. Last evaluated: 2026-01-27. Review status: criteria provided, single submitter. Criteria: Invitae Variant Classification Sherloc (09022015). Collection method: clinical testing. Allele origin: germline.
Comment: This sequence change replaces proline, which is neutral and non-polar, with leucine, which is neutral and non-polar, at codon 281 of the BARD1 protein (p.Pro281Leu). This variant is present in population databases (rs367890377, gnomAD 0.06%), and has an allele count higher than expected for a pathogenic variant. This missense change has been observed in individual(s) with breast cancer and/or colon cancer (PMID: 32959997, 34250417, 35264596, 36833268). ClinVar contains an entry for this variant (Variation ID: 185922). An algorithm developed to predict the effect of missense changes on protein structure and function outputs the following: PolyPhen-2: "Benign". The leucine amino acid residue is found in multiple mammalian species, which suggests that this missense change does not adversely affect protein function. In summary, the available evidence is currently insufficient to determine the role of this variant in disease. Therefore, it has been classified as a Variant of Uncertain Significance.

GeneDx
Classification: Uncertain significance. Last evaluated: 2025-05-23. Review status: criteria provided, single submitter. Criteria: GeneDx Variant Classification Process June 2021. Collection method: clinical testing. Allele origin: germline. Affected: yes.
Comment: In silico analysis suggests that this missense variant does not alter protein structure/function; Observed in individuals with breast or colorectal cancer (PMID: 32959997, 34250417, 35264596); This variant is associated with the following publications: (PMID: 34250417, 32959997, 35264596)

Molecular Pathology, Peter Maccallum Cancer Centre
Classification: Uncertain significance for BARD1-related cancer predisposition. Last evaluated: 2025-03-21. Review status: criteria provided, single submitter. Criteria: ACMG Guidelines, 2015. Collection method: clinical testing. Allele origin: germline. Inheritance: Autosomal dominant inheritance.

Mendelics
Classification: Likely benign for Hereditary cancer. Last evaluated: 2025-02-27. Review status: criteria provided, single submitter. Criteria: ACMG Guidelines, 2015. Collection method: clinical testing. Allele origin: unknown.
Comment: This variant is considered likely benign or benign based on one or more of the following: it is predicted to be benign by multiple in silico algorithms, and/or has population frequency not consistent with disease, and/or has normal protein function, and/or has lack of segregation with disease, and/or has been detected in co-occurrence with known pathogenic variant, and/or has lack of disease association in case-control studies, and/or is located in a region inconsistent with a known cause of pathogenicity.

Women's Health and Genetics/Laboratory Corporation of America, LabCorp
Classification: Likely benign. Last evaluated: 2025-02-11. Review status: criteria provided, single submitter. Criteria: LabCorp Variant Classification Summary - May 2015. Collection method: clinical testing. Allele origin: germline.
Comment: Variant summary: BARD1 c.842C>T (p.Pro281Leu) results in a non-conservative amino acid change in the encoded protein sequence. Three of five in-silico tools predict a benign effect of the variant on protein function. The variant allele was found at a frequency of 3.4e-05 in 1611222 control chromosomes, predominantly at a frequency of 0.0007 within the African or African-American subpopulation in the gnomAD database. The observed variant frequency within African or African-American control individuals in the gnomAD database is approximately 2.8 fold of the estimated maximal expected allele frequency for a pathogenic variant in BARD1 causing Breast Cancer phenotype (0.00025). c.842C>T has been reported in the presumed heterozygous state in the literature in individuals affected with Breast Cancer and Colorectal Cancer without evidence of causality (e.g. Uyisenga_2020, Pearlman_2021, Perez-Ibave_2023), without strong evidence for causality. These report(s) do not provide unequivocal conclusions about association of the variant with Breast Cancer. To our knowledge, no experimental evidence demonstrating an impact on protein function has been reported. The following publications have been ascertained in the context of this evaluation (PMID: 32994724, 34250417, 36833268, 32959997). ClinVar contains an entry for this variant (Variation ID: 185922). Based on the evidence outlined above, the variant was classified as likely benign.

Myriad Genetics, Inc.
Classification: Likely benign for Familial cancer of breast. Last evaluated: 2024-10-09. Review status: criteria provided, single submitter. Criteria: Myriad Autosomal Dominant, Autosomal Recessive and X-Linked Classification Criteria (2023). Collection method: clinical testing. Allele origin: unknown.
Comment: This variant is considered likely benign. This variant is strongly associated with less severe personal and family histories of cancer, typical for individuals without pathogenic variants in this gene [PMID: 25085752].

Ambry Genetics
Classification: Likely benign for Hereditary cancer-predisposing syndrome. Last evaluated: 2024-01-02. Review status: criteria provided, single submitter. Criteria: Ambry Variant Classification Scheme 2023. Collection method: clinical testing. Allele origin: germline.

Baylor Genetics
Classification: Uncertain significance for Familial cancer of breast. Last evaluated: 2023-08-27. Review status: criteria provided, single submitter. Criteria: ACMG Guidelines, 2015. Collection method: clinical testing. Allele origin: unknown.

Quest Diagnostics Nichols Institute San Juan Capistrano
Classification: Likely benign. Last evaluated: 2023-06-03. Review status: criteria provided, single submitter. Criteria: Quest Diagnostics criteria. Collection method: clinical testing. Allele origin: unknown.

National Health Laboratory Service, Universitas Academic Hospital and University of the Free State
Classification: Likely benign for Hereditary breast ovarian cancer syndrome. Last evaluated: 2022-04-19. Review status: criteria provided, single submitter. Criteria: ACMG Guidelines, 2015. Collection method: clinical testing. Allele origin: germline. Affected: yes. Observed: 3 variant alleles.

Color Diagnostics, LLC DBA Color Health
Classification: Likely benign for Hereditary cancer-predisposing syndrome. Last evaluated: 2020-11-16. Review status: criteria provided, single submitter. Criteria: ACMG Guidelines, 2015. Collection method: clinical testing. Allele origin: germline.

Illumina Laboratory Services, Illumina
Classification: Uncertain significance for Familial cancer of breast. Last evaluated: 2018-01-13. Review status: criteria provided, single submitter. Criteria: ICSL Variant Classification Criteria 13 December 2019. Collection method: clinical testing. Allele origin: germline.

Counsyl
Classification: Uncertain significance for Familial cancer of breast. Last evaluated: 2016-12-16. Review status: no assertion criteria provided. Collection method: clinical testing. Allele origin: unknown. Not counted in ClinVar's aggregate classification.

Literature cited by the submitters: PubMed 32959997 (cited by 3 submitters); PubMed 34250417 (cited by 3 submitters); PubMed 35264596 (cited by Labcorp Genetics (formerly Invitae), Labcorp and Quest Diagnostics Nichols Institute San Juan Capistrano); PubMed 36833268 (cited by Labcorp Genetics (formerly Invitae), Labcorp and Women's Health and Genetics/Laboratory Corporation of America, LabCorp); PubMed 32994724 (cited by Women's Health and Genetics/Laboratory Corporation of America, LabCorp); PubMed 25085752 (cited by Myriad Genetics, Inc.).

NM_000465.4(BARD1):c.842C>T (p.Pro281Leu)

Gene: BARD1 (BRCA1 associated RING domain 1; minus strand). Cytogenetic location: 2q35.
Variant type: single nucleotide variant.
Coding change: c.842C>T on transcript NM_000465.4 (MANE Select); coding-DNA position 842, C replaced by T.
Protein change: p.Pro281Leu; replaces proline 281 with leucine.
Molecular consequence: missense variant. On other transcripts: non-coding transcript variant (2), intron variant (3).
Genome position (GRCh38, 1-based): chr2:214,781,032, G>A on the plus strand (C>T on the coding strand, the complement: BARD1 is on the minus strand). VCF-style: chr2-214781032-G-A. GRCh37 (hg19) VCF-style: chr2-215645756-G-A.
Other names: NP_000456.2:p.Pro281Leu; c.785C>T, p.Pro262Leu (NM_001282543.2); c.158+28380C>T (NM_001282548.2); c.215+16029C>T (NM_001282545.2); c.364+11265C>T (NM_001282549.2); short protein forms P281L, P262L.
Identifiers: ClinVar variation 185922 (VCV000185922.43), dbSNP rs367890377, ClinGen allele CA193386.
Genomic context (GRCh38, chr2:214,781,032, plus strand): 5'-TCAGGAGTCACTACTTCATTCCTGCTCTTAGTGTCTGGAGACTCTATTTGCTCAGCCAAT[G>A]GTAAAGAGACTTCAGTTAAACTTCCAAAACATTCAGATTCTGTCAAGGAGCCACTTGCTA-3'
Protein context (NP_000456.2, residues 271-291): CFGSLTEVSL[Pro281Leu]LAEQIESPDT